The following is an entry in ClinVar:

NM_000350.3(ABCA4):c.769-784C>T

Gene: ABCA4 (ATP binding cassette subfamily A member 4; minus strand). Cytogenetic location: 1p22.1.
Variant type: single nucleotide variant.
Coding change: c.769-784C>T on transcript NM_000350.3 (MANE Select); 784 bases into the intron before coding-DNA position 769, C replaced by T.
Molecular consequence: intron variant.
Genome position (GRCh38, 1-based): chr1:94,084,225, G>A on the plus strand (C>T on the coding strand, the complement: ABCA4 is on the minus strand). VCF-style: chr1-94084225-G-A. GRCh37 (hg19) VCF-style: chr1-94549781-G-A.
Identifiers: ClinVar variation 2578578 (VCV002578578.35), dbSNP rs144695319, ClinGen allele CA26874240.

ClinVar aggregate classification (germline): Conflicting classifications of pathogenicity. Review status: criteria provided, conflicting classifications (1 of 4 stars). 9 submissions from 8 submitters: Pathogenic (3); Likely pathogenic (1); Uncertain significance (5). Last evaluated 2026-10-23.

Conditions:
Optic atrophy. Identifiers: MedGen C0029124, MONDO:0003608, HP:0000648.
Stargardt disease (FFM). Also called: Stargardt's disease; Fundus flavimaculatus. Identifiers: Orphanet 827, MedGen C0271093, MONDO:0019353.
ABCA4-related disorder. Also called: ABCA4-related condition; ABCA4-related disorders. Identifiers: MedGen CN239167.
Retinal dystrophy. Also called: Inherited retinal dystrophy. Identifiers: Orphanet 71862, MedGen C0854723, MeSH D058499, MONDO:0019118, HP:0000556.
Severe early-childhood-onset retinal dystrophy (STGD1). Also called: Stargardt macular dystrophy; Juvenile onset macular degeneration; Stargardt disease 1; MACULAR DYSTROPHY WITH FLECKS, TYPE 1; STGD. Identifiers: Orphanet 364055, Orphanet 827, MedGen C1855465, MeSH D000080362, MONDO:0009549, OMIM 248200.

Allele frequency attached by ClinVar (database versions not stated): 1000 Genomes Project 30x 0.00172; 1000 Genomes Project 0.00220; gnomAD 0.00360; TOPMed 0.00369.
gnomAD v4.1: 544 of 152,354 alleles (0.36%); highest among the groups gnomAD compares: Non-Finnish European, 0.56%; 2 homozygotes.

Submissions (9):

GeneDx
Classification: Pathogenic. Last evaluated: 2026-10-23. Review status: criteria provided, single submitter. Criteria: GeneDx Variant Classification Process June 2021. Collection method: clinical testing. Allele origin: germline.
Comment: RNA studies demonstrate a damaging effect on splicing in retinal lineage cells due to the inclusion of a pseudoexon and introduction of a premature stop codon in a percentage of transcripts (PMID: 31618761, 36552712); This variant is associated with the following publications: (PMID: 37734845, 38540785, 32653833, 33214125, 30670881, 31212395, 37287645, 32278709, 36209838, 32016942, 34440414, 35413457, 35120629, 37295270, 37028505, 30643219, 36552712, 34874912, 33909047, 34945039, 32307445, 31618761, 34431609, 32815999, 40535027, 41677386, 37705246)

PreventionGenetics, part of Exact Sciences
Classification: Likely pathogenic for ABCA4-related condition. Last evaluated: 2026-06-11. Review status: criteria provided, single submitter. Criteria: ACMG Guidelines, 2015. Collection method: clinical testing. Allele origin: germline.
Comment: The ABCA4 c.769-784C>T variant is predicted to interfere with splicing. This variant has been reported in the compound heterozygous state in individuals with Stargardt disease (Sangermano et al. 2019. PubMed ID: 30643219; Runhart et al. 2019. PubMed ID: 31618761; Lee et al. 2021. PubMed ID: 33909047). Functional studies using mRNA analysis in patient-derived cells have found that this deep intronic variant causes inclusion of a pseudoexon in 8-15% of all transcripts (Sangermano et al. 2019. PubMed ID: 30643219; Runhart et al. 2019. PubMed ID: 31618761); and these authors hypothesize this is the cause of the later-onset and less severe disease in these patients. Using patient and control populations, the penetrance of this variant has been estimated at 20-40% (Runhart et al. 2019. PubMed ID: 31618761). Additionally, this variant is often found in cis with other variants as part of a complex allele which can modify the penetrance, age of onset, and severity of disease; variants most commonly found in cis include c.5603A>T (p.Asn1868Ile) and c.5882G>A (p.Gly1961Glu) (Sangermano et al. 2019. PubMed ID: 30643219; Lee et al. 2021. PubMed ID: 33909047). This variant is reported in 0.41% of alleles in individuals of European (Non-Finnish) descent and with a global allele frequency of 0.28% in gnomAD, indicating this variant is relatively common. Given all the evidence, we interpret the deep intronic variant c.769-784C>T by itself as likely pathogenic for late-onset and less severe disease and when part of a complex allele as likely pathogenic for early-onset more severe disease.

Women's Health and Genetics/Laboratory Corporation of America, LabCorp
Classification: Pathogenic for Stargardt disease. Last evaluated: 2026-06-11. Review status: criteria provided, single submitter. Criteria: LabCorp Variant Classification Summary - May 2015. Collection method: clinical testing. Allele origin: germline.
Comment: Variant summary: ABCA4 c.769-784C>T is located at a position not widely known to affect splicing. Several computational tools predict a significant impact on normal splicing: Two predict that the variant strengthens a cryptic 3' acceptor site. Three predict the variant no significant impact on splicing. Publications reported experimental evidence confirming that this variant affects mRNA splicing, i.e., strengthening the activity of a cryptic splice site (a constitutive aberrant acceptor splice site), thus increasing the amount of the aberrant transcripts, resulting in pseudoexon inclusion and the introduction of a premature stop codon (e.g., Runhart_2019, Tomkiewicz_2022). The variant allele was found at a frequency of 0.0036 in 151148 control chromosomes in the gnomAD database, including 2 homozygotes. However, the variant c.769-784C>T, has been reported in the literature in several individuals affected with phenotypes consistent with Stargardt Disease (e.g. Runhart_2019, Khan_2019, Khan_2020, Runhart_2020, Lee_2021, Corradi_2023, Cornelis_2023), including multiple cases where a (likely) pathogenic variant was reported in trans. However, most of the reported cases had later-onset and/or less severe phenotype, and the variant was found in cis with other variants as part of a complex allele (e.g. with c.5603A>T (p.Asn1868Ile) or c.5882G>A (p.Gly1961Glu)) (e.g. Runhart_2019, Cornelis_2023). These data indicate that the pathogenicity of this variant is genotype-dependent, i.e. likely dependent on the variants observed in cis- and trans. The following publications have been ascertained in the context of this evaluation (PMID: 31618761, 36552712, 31212395, 32307445, 33909047, 37705246, 32815999). ClinVar contains an entry for this variant (Variation ID: 2578578). Based on the evidence outlined above, the variant was classified as pathogenic.

Department of Molecular Genetics, Istishari Arab Hospital
Classification: Uncertain significance for Severe early-childhood-onset retinal dystrophy. Last evaluated: 2026-06-07. Review status: criteria provided, single submitter. Criteria: ACMG Guidelines, 2015. Collection method: clinical testing. Allele origin: germline. Inheritance: Autosomal recessive inheritance. Affected: yes.
Comment: The ABCA4 variant c.769-784C>T is located at a position not widely known to affect splicing. Computational tools predict that the variant slightly strengthens a cryptic 3' acceptor site. Publications reported experimental evidence confirming that this variant affects mRNA splicing, i.e., strengthening the activity of a cryptic splice site (a constitutive aberrant acceptor splice site), thus increasing the amount of the aberrant transcripts, resulting in pseudoexon inclusion and the introduction of a premature stop codon (e.g., Runhart, 2019; Tomkiewicz, 2022). The variant allele was found at a frequency of 0.0036 in 151148 control chromosomes in the gnomAD database, including 2 homozygotes. The observed variant frequency is higher than the estimated maximal expected allele frequency for a pathogenic variant in ABCA4 causing Stargardt Disease phenotype (0.0014). However, the variant c.769-784C>T has been reported in the literature in several individuals affected with phenotypes consistent with Stargardt Disease (e.g., Runhart, 2019, Khan, 2019, Khan, 2020; Runhart, 2020; Lee, 2021; Corradi, 2023; Cornelis, 2023), including multiple cases where a likely pathogenic variant was reported in trans. However, most of the reported cases had later-onset and/or less severe phenotype, and the variant was found in cis with other variants as part of a complex allele (e.g., with c.5603A>T (p.Asn1868Ile) or c.5882G>A (p.Gly1961Glu)), suggesting a reduced penetrance of this variant (e.g., Runhart, 2019; Cornelis, 2023). These data indicate that the pathogenicity of this variant is genotype-dependent, i.e., likely also dependent on the variants observed in cis- and trans. The following publications have been ascertained in the context of this evaluation (PMID: 31618761, 36552712, 31212395, 32307445, 33909047, 37705246, 32815999). It is classified as a variant of uncertain significance based on ACMG/AMP/ClinGen SVI guidelines.

CeGaT Center for Human Genetics Tuebingen
Classification: Uncertain significance. Last evaluated: 2026-04-01. Review status: criteria provided, single submitter. Criteria: CeGaT Center For Human Genetics Tuebingen Variant Classification Criteria Version 2. Collection method: clinical testing. Allele origin: germline. Affected: yes. Observed: 5 variant alleles.
Comment: ABCA4: PS3:Supporting

Labcorp Genetics (formerly Invitae), Labcorp
Classification: Pathogenic. Last evaluated: 2026-01-28. Review status: criteria provided, single submitter. Criteria: Invitae Variant Classification Sherloc (09022015). Collection method: clinical testing. Allele origin: germline.
Comment: This sequence change falls in intron 6 of the ABCA4 gene. It does not directly change the encoded amino acid sequence of the ABCA4 protein. This variant is present in population databases (rs144695319, gnomAD 0.4%), and has an allele count higher than expected for a pathogenic variant. This variant has been observed in individual(s) with late-onset, foveal-sparing Stargardt disease (PMID: 30643219, 31618761). In at least one individual the data is consistent with being in trans (on the opposite chromosome) from a pathogenic variant. ClinVar contains an entry for this variant (Variation ID: 2578578). Algorithms developed to predict the effect of sequence changes on RNA splicing suggest that this variant is not likely to affect RNA splicing. For these reasons, this variant has been classified as Pathogenic.

Blueprint Genetics
Classification: Uncertain significance. Last evaluated: 2024-11-26. Review status: criteria provided, single submitter. Criteria: ACMG Guidelines, 2015. Collection method: clinical testing. Allele origin: germline.

Institute of Human Genetics, Univ. Regensburg, Univ. Regensburg
Classification: Uncertain significance for Optic atrophy. Last evaluated: 2023-01-01. Review status: criteria provided, single submitter. Criteria: ACMG Guidelines, 2015. Collection method: clinical testing. Allele origin: germline. Affected: yes.

Institute of Human Genetics, Univ. Regensburg, Univ. Regensburg
Classification: Uncertain significance for Retinal dystrophy. Last evaluated: 2023-01-01. Review status: criteria provided, single submitter. Criteria: ACMG Guidelines, 2015. Collection method: clinical testing. Allele origin: germline. Affected: yes.

Literature cited by the submitters: PubMed 31212395 (cited by Women's Health and Genetics/Laboratory Corporation of America, LabCorp and Department of Molecular Genetics, Istishari Arab Hospital); PubMed 32307445 (cited by 3 submitters); PubMed 37705246 (cited by Women's Health and Genetics/Laboratory Corporation of America, LabCorp and Department of Molecular Genetics, Istishari Arab Hospital); PubMed 33909047 (cited by 3 submitters); PubMed 31618761 (cited by 4 submitters); PubMed 32815999 (cited by Women's Health and Genetics/Laboratory Corporation of America, LabCorp and Department of Molecular Genetics, Istishari Arab Hospital); PubMed 36552712 (cited by Women's Health and Genetics/Laboratory Corporation of America, LabCorp and Department of Molecular Genetics, Istishari Arab Hospital); PubMed 30643219 (cited by 3 submitters).